The following is an entry in ClinVar:

ClinVar aggregate classification (germline): Uncertain significance. Review status: criteria provided, multiple submitters, no conflicts (2 of 4 stars). 2 submissions from 2 submitters: Uncertain significance (2). Last evaluated 2026-01-26.

Allele frequency attached by ClinVar (database versions not stated): gnomAD exomes below 0.00001; TOPMed below 0.00001.
gnomAD v4.1: 5 of 1,613,740 alleles (0.00031%); highest among the groups gnomAD compares: South Asian, 0.0033%; no homozygotes.

Submissions (2):

Labcorp Genetics (formerly Invitae), Labcorp
Classification: Uncertain significance. Last evaluated: 2026-01-26. Review status: criteria provided, single submitter. Criteria: Invitae Variant Classification Sherloc (09022015). Collection method: clinical testing. Allele origin: germline.
Comment: This sequence change replaces proline, which is neutral and non-polar, with leucine, which is neutral and non-polar, at codon 1272 of the FRAS1 protein (p.Pro1272Leu). This variant is not present in population databases (gnomAD no frequency). This variant has not been reported in the literature in individuals affected with FRAS1-related conditions. ClinVar contains an entry for this variant (Variation ID: 2418252). An algorithm developed to predict the effect of missense changes on protein structure and function (PolyPhen-2) suggests that this variant is likely to be tolerated. In summary, the available evidence is currently insufficient to determine the role of this variant in disease. Therefore, it has been classified as a Variant of Uncertain Significance.

CeGaT Center for Human Genetics Tuebingen
Classification: Uncertain significance. Last evaluated: 2025-02-01. Review status: criteria provided, single submitter. Criteria: CeGaT Center For Human Genetics Tuebingen Variant Classification Criteria Version 2. Collection method: clinical testing. Allele origin: germline. Affected: yes. Observed: 1 variant allele.
Comment: FRAS1: PM2, BP4

NM_025074.7(FRAS1):c.3815C>T (p.Pro1272Leu)

Gene: FRAS1 (Fraser extracellular matrix complex subunit 1; plus strand). Cytogenetic location: 4q21.21.
Variant type: single nucleotide variant.
Coding change: c.3815C>T on transcript NM_025074.7 (MANE Select); coding-DNA position 3815, C replaced by T.
Protein change: p.Pro1272Leu; replaces proline 1272 with leucine.
Molecular consequence: missense variant.
Genome position (GRCh38, 1-based): chr4:78,387,541, C>T. VCF-style: chr4-78387541-C-T. GRCh37 (hg19) VCF-style: chr4-79308695-C-T.
Other names: c.3815C>T, p.Pro1272Leu (NM_001166133.2); short protein forms P1272L.
Identifiers: ClinVar variation 2418252 (VCV002418252.17), dbSNP rs1732265226, ClinGen allele CA357377213.